The following is an entry in ClinVar:

NM_024704.5(KIF16B):c.3351G>C (p.Arg1117Ser)

Gene: KIF16B (kinesin family member 16B; minus strand). Cytogenetic location: 20p12.1.
Variant type: single nucleotide variant.
Coding change: c.3351G>C on transcript NM_024704.5 (MANE Select); coding-DNA position 3351, G replaced by C.
Protein change: p.Arg1117Ser; replaces arginine 1117 with serine.
Molecular consequence: missense variant.
Genome position (GRCh38, 1-based): chr20:16,371,761, C>G on the plus strand (G>C on the coding strand, the complement: KIF16B is on the minus strand). VCF-style: chr20-16371761-C-G. GRCh37 (hg19) VCF-style: chr20-16352406-C-G.
Other names: c.3198G>C, p.Arg1066Ser (NM_001199865.2); c.3351G>C, p.Arg1117Ser (NM_001199866.2); c.3231G>C, p.Arg1077Ser (NM_001410853.1); c.*1200G>C (NM_017683.1); short protein forms R1066S, R1077S, R1117S.
Identifiers: ClinVar variation 3026445 (VCV003026445.22), dbSNP rs2515379584, ClinGen allele CA408302124.

ClinVar aggregate classification (germline): Uncertain significance (1 of 4 stars; one submission).

Submission:

CeGaT Center for Human Genetics Tuebingen
Classification: Uncertain significance. Last evaluated: 2023-12-01. Review status: criteria provided, single submitter. Criteria: CeGaT Center For Human Genetics Tuebingen Variant Classification Criteria Version 2. Collection method: clinical testing. Allele origin: germline. Affected: yes. Observed: 1 variant allele.
Comment: KIF16B: PM2